The following is an entry in ClinVar:

ClinVar aggregate classification (germline): Uncertain significance (1 of 4 stars; one submission).

Allele frequency attached by ClinVar (database versions not stated): gnomAD exomes 0.00002.
gnomAD v4.1: 23 of 1,610,712 alleles (0.0014%); highest among the groups gnomAD compares: Non-Finnish European, 0.0018%; no homozygotes.

Submission:

Labcorp Genetics (formerly Invitae), Labcorp
Classification: Uncertain significance. Last evaluated: 2022-08-16. Review status: criteria provided, single submitter. Criteria: Invitae Variant Classification Sherloc (09022015). Collection method: clinical testing. Allele origin: germline.
Comment: This sequence change replaces threonine, which is neutral and polar, with isoleucine, which is neutral and non-polar, at codon 375 of the NBAS protein (p.Thr375Ile). This variant is not present in population databases (gnomAD no frequency). This variant has not been reported in the literature in individuals affected with NBAS-related conditions. ClinVar contains an entry for this variant (Variation ID: 1467562). Algorithms developed to predict the effect of missense changes on protein structure and function output the following: SIFT: "Deleterious"; PolyPhen-2: "Benign"; Align-GVGD: "Class C65". The isoleucine amino acid residue is found in multiple mammalian species, which suggests that this missense change does not adversely affect protein function. In summary, the available evidence is currently insufficient to determine the role of this variant in disease. Therefore, it has been classified as a Variant of Uncertain Significance.

NM_015909.4(NBAS):c.1124C>T (p.Thr375Ile)

Gene: NBAS (NBAS subunit of NRZ tethering complex; minus strand). Cytogenetic location: 2p24.3.
Variant type: single nucleotide variant.
Coding change: c.1124C>T on transcript NM_015909.4 (MANE Select); coding-DNA position 1124, C replaced by T.
Protein change: p.Thr375Ile; replaces threonine 375 with isoleucine.
Molecular consequence: missense variant. On other transcripts: non-coding transcript variant (1).
Genome position (GRCh38, 1-based): chr2:15,478,249, G>A on the plus strand (C>T on the coding strand, the complement: NBAS is on the minus strand). VCF-style: chr2-15478249-G-A. GRCh37 (hg19) VCF-style: chr2-15618373-G-A.
Other names: short protein forms T375I.
Identifiers: ClinVar variation 1467562 (VCV001467562.8), dbSNP rs1459225814, ClinGen allele CA345892617.
Genomic context (GRCh38, chr2:15,478,249, plus strand): 5'-TATTAAGGTTTCAATTATCACATTTCGTAGAACTCACCTTTGATTTTTTTTCTCTTCTCA[G>A]TAGAGAGCCTCCAATCAGGATTAAGGTCATCATAGCCTGGCTAAATATGAAAATAATGAC-3'
Protein context (NP_056993.2, residues 365-385): DDLNPDWRLS[Thr375Ile]EKRKKIKDKE